The following is an entry in ClinVar:

NM_003265.3(TLR3):c.256A>T (p.Thr86Ser)

Gene: TLR3 (toll like receptor 3; plus strand). Cytogenetic location: 4q35.1.
Variant type: single nucleotide variant.
Coding change: c.256A>T on transcript NM_003265.3 (MANE Select); coding-DNA position 256, A replaced by T.
Protein change: p.Thr86Ser; replaces threonine 86 with serine.
Molecular consequence: missense variant.
Genome position (GRCh38, 1-based): chr4:186,076,875, A>T. VCF-style: chr4-186076875-A-T. GRCh37 (hg19) VCF-style: chr4-186998029-A-T.
Other names: short protein forms T86S.
Identifiers: ClinVar variation 1523459 (VCV001523459.6), dbSNP rs749653770, ClinGen allele CA3161185.

ClinVar aggregate classification (germline): Uncertain significance (1 of 4 stars; one submission).

Conditions:
Encephalopathy, acute, infection-induced (herpes-specific), susceptibility to, 1. Also called: Herpes simplex encephalitis, susceptibility to, 1. Identifiers: Orphanet 1930, MedGen C2750180, MONDO:0024563, OMIM 610551.

Allele frequency attached by ClinVar (database versions not stated): gnomAD exomes below 0.00001; ExAC 0.00001.
gnomAD v4.1: 74 of 1,614,070 alleles (0.0046%); highest among the groups gnomAD compares: Non-Finnish European, 0.0061%; no homozygotes.

Submission:

Labcorp Genetics (formerly Invitae), Labcorp
Classification: Uncertain significance for Encephalopathy, acute, infection-induced (herpes-specific), susceptibility to, 1. Last evaluated: 2024-06-24. Review status: criteria provided, single submitter. Criteria: Invitae Variant Classification Sherloc (09022015). Collection method: clinical testing. Allele origin: germline.
Comment: This sequence change replaces threonine, which is neutral and polar, with serine, which is neutral and polar, at codon 86 of the TLR3 protein (p.Thr86Ser). This variant is present in population databases (rs749653770, gnomAD 0.0009%). This variant has not been reported in the literature in individuals affected with TLR3-related conditions. ClinVar contains an entry for this variant (Variation ID: 1523459). Algorithms developed to predict the effect of missense changes on protein structure and function output the following: SIFT: "Not Available"; PolyPhen-2: "Benign"; Align-GVGD: "Not Available". The serine amino acid residue is found in multiple mammalian species, which suggests that this missense change does not adversely affect protein function. In summary, the available evidence is currently insufficient to determine the role of this variant in disease. Therefore, it has been classified as a Variant of Uncertain Significance.